The following is an entry in ClinVar:

ClinVar aggregate classification (germline): Uncertain significance. Review status: criteria provided, multiple submitters, no conflicts (2 of 4 stars). 2 submissions from 2 submitters: Uncertain significance (2). Last evaluated 2026-07-29.

Conditions:
Inborn genetic diseases. Identifiers: MedGen C0950123, MeSH D030342.
Idiopathic generalized epilepsy. Also called: Generalised epilepsy; EIG. Identifiers: MedGen C0270850, MONDO:0005579, OMIM 600669.
Hyperaldosteronism, familial, type IV (HALD4). Also called: FH IV; ALDOSTERONISM, PRIMARY, AND HYPERTENSION. Identifiers: Orphanet 642671, MedGen C4310756, MONDO:0014875, OMIM 617027.

Allele frequency attached by ClinVar (database versions not stated): gnomAD exomes below 0.00001.
gnomAD v4.1: 3 of 1,552,334 alleles (0.00019%); highest among the groups gnomAD compares: Non-Finnish European, 0.00017%; no homozygotes.

Submissions (2):

Ambry Genetics
Classification: Uncertain significance for Inborn genetic diseases. Last evaluated: 2026-07-29. Review status: criteria provided, single submitter. Criteria: Ambry Variant Classification Scheme 2023. Collection method: clinical testing. Allele origin: germline.

Labcorp Genetics (formerly Invitae), Labcorp
Classification: Uncertain significance for Idiopathic generalized epilepsy; Hyperaldosteronism, familial, type IV. Last evaluated: 2026-01-28. Review status: criteria provided, single submitter. Criteria: Invitae Variant Classification Sherloc (09022015). Collection method: clinical testing. Allele origin: germline.
Comment: This sequence change replaces tyrosine, which is neutral and polar, with cysteine, which is neutral and slightly polar, at codon 576 of the CACNA1H protein (p.Tyr576Cys). This variant is not present in population databases (gnomAD no frequency). This variant has not been reported in the literature in individuals affected with CACNA1H-related conditions. ClinVar contains an entry for this variant (Variation ID: 2940563). Invitae Evidence Modeling of protein sequence and biophysical properties (such as structural, functional, and spatial information, amino acid conservation, physicochemical variation, residue mobility, and thermodynamic stability) indicates that this missense variant is not expected to disrupt CACNA1H protein function with a negative predictive value of 80%. In summary, the available evidence is currently insufficient to determine the role of this variant in disease. Therefore, it has been classified as a Variant of Uncertain Significance.

NM_021098.3(CACNA1H):c.1727A>G (p.Tyr576Cys)

Gene: CACNA1H (calcium voltage-gated channel subunit alpha1 H; plus strand). Cytogenetic location: 16p13.3.
Variant type: single nucleotide variant.
Coding change: c.1727A>G on transcript NM_021098.3 (MANE Select); coding-DNA position 1727, A replaced by G.
Protein change: p.Tyr576Cys; replaces tyrosine 576 with cysteine.
Molecular consequence: missense variant.
Genome position (GRCh38, 1-based): chr16:1,202,177, A>G. VCF-style: chr16-1202177-A-G. GRCh37 (hg19) VCF-style: chr16-1252177-A-G.
Other names: c.1727A>G, p.Tyr576Cys (NM_001005407.2); c.1727A>G (NM_021098.2); short protein forms Y576C.
Identifiers: ClinVar variation 2940563 (VCV002940563.4), dbSNP rs2548645563, ClinGen allele CA394162124.